The following is an entry in ClinVar:

ClinVar aggregate classification (germline): Likely benign (1 of 4 stars; one submission).

Allele frequency attached by ClinVar (database versions not stated): gnomAD exomes below 0.00001 and 0.00001; gnomAD 0.00005 and 0.00006; TOPMed 0.00005.
gnomAD v4.1: 11 of 1,568,638 alleles (0.0007%); highest among the groups gnomAD compares: African/African-American, 0.014%; no homozygotes.

Submission:

GeneDx
Classification: Likely benign. Last evaluated: 2021-06-22. Review status: criteria provided, single submitter. Criteria: GeneDx Variant Classification Process June 2021. Collection method: clinical testing. Allele origin: germline. Affected: yes.
Comment: This variant is associated with the following publications: (PMID: 27535533)

NM_194248.3(OTOF):c.*18-7T>G

Gene: OTOF (otoferlin; minus strand). Cytogenetic location: 2p23.3.
Variant type: single nucleotide variant.
Coding change: c.*18-7T>G on transcript NM_194248.3 (MANE Select); 7 bases into the intron before 18 bases downstream of the stop codon, T replaced by G.
Molecular consequence: intron variant.
Genome position (GRCh38, 1-based): chr2:26,458,227, A>C on the plus strand (T>G on the coding strand, the complement: OTOF is on the minus strand). VCF-style: chr2-26458227-A-C. GRCh37 (hg19) VCF-style: chr2-26681095-A-C.
Other names: c.5814-7T>G (NM_001287489.2); c.3513-7T>G (NM_194323.3); c.*18-7T>G (NM_004802.4, NM_194322.3).
Identifiers: ClinVar variation 1331159 (VCV001331159.2), dbSNP rs1340070288, ClinGen allele CA531394369.